The following is an entry in ClinVar:

ClinVar aggregate classification (germline): Uncertain significance (1 of 4 stars; one submission).

Submission:

Labcorp Genetics (formerly Invitae), Labcorp
Classification: Uncertain significance. Last evaluated: 2023-06-23. Review status: criteria provided, single submitter. Criteria: Invitae Variant Classification Sherloc (09022015). Collection method: clinical testing. Allele origin: germline.
Comment: This sequence change replaces lysine, which is basic and polar, with glutamic acid, which is acidic and polar, at codon 330 of the NSD1 protein (p.Lys330Glu). This variant is not present in population databases (gnomAD no frequency). This variant has not been reported in the literature in individuals affected with NSD1-related conditions. Advanced modeling of protein sequence and biophysical properties (such as structural, functional, and spatial information, amino acid conservation, physicochemical variation, residue mobility, and thermodynamic stability) performed at Invitae indicates that this missense variant is expected to disrupt NSD1 protein function. In summary, the available evidence is currently insufficient to determine the role of this variant in disease. Therefore, it has been classified as a Variant of Uncertain Significance.

NM_022455.5(NSD1):c.988A>G (p.Lys330Glu)

Gene: NSD1 (nuclear receptor binding SET domain protein 1; plus strand). Cytogenetic location: 5q35.3.
Variant type: single nucleotide variant.
Coding change: c.988A>G on transcript NM_022455.5 (MANE Select); coding-DNA position 988, A replaced by G.
Protein change: p.Lys330Glu; replaces lysine 330 with glutamic acid.
Molecular consequence: missense variant.
Genome position (GRCh38, 1-based): chr5:177,191,944, A>G. VCF-style: chr5-177191944-A-G. GRCh37 (hg19) VCF-style: chr5-176618945-A-G.
Other names: c.115A>G, p.Lys39Glu (NM_001365684.2, NM_001409305.1, NM_001409306.1 and 4 more transcripts); c.988A>G, p.Lys330Glu (NM_001409301.1, NM_001409302.1, NM_001409303.1); c.568A>G, p.Lys190Glu (NM_001409304.1); short protein forms K190E, K330E, K39E.
Identifiers: ClinVar variation 3669435 (VCV003669435.2).